The following is an entry in ClinVar:

NM_001100913.3(PACS2):c.83G>A (p.Trp28Ter)

Genes: BRF1 (BRF1 general transcription factor IIIB subunit; minus strand), PACS2 (phosphofurin acidic cluster sorting protein 2; plus strand), LOC130056677 (ATAC-STARR-seq lymphoblastoid silent region 6228; plus strand). Cytogenetic location: 14q32.33.
Variant type: single nucleotide variant.
Coding change: c.83G>A on transcript NM_001100913.3 (MANE Select); coding-DNA position 83, G replaced by A.
Protein change: p.Trp28Ter; replaces tryptophan 28 with a stop codon.
Molecular consequence: nonsense. On other transcripts: intron variant (4).
Genome position (GRCh38, 1-based): chr14:105,315,001, G>A. VCF-style: chr14-105315001-G-A. GRCh37 (hg19) VCF-style: chr14-105781338-G-A.
Other names: c.83G>A, p.Trp28Ter (NM_015197.4); c.-162+321C>T (NM_001440451.1, NM_001242787.2, NM_001242786.2); c.-83+14022G>A (NM_001243127.3); short protein forms W28*.
Identifiers: ClinVar variation 1495442 (VCV001495442.7), dbSNP rs2058505060, ClinGen allele CA391191762.

ClinVar aggregate classification (germline): Uncertain significance (1 of 4 stars; one submission).

Submission:

Labcorp Genetics (formerly Invitae), Labcorp
Classification: Uncertain significance. Last evaluated: 2021-08-22. Review status: criteria provided, single submitter. Criteria: Invitae Variant Classification Sherloc (09022015). Collection method: clinical testing. Allele origin: germline.
Comment: This sequence change creates a premature translational stop signal (p.Trp28*) in the PACS2 gene. It is expected to result in an absent or disrupted protein product. However, the current clinical and genetic evidence is not sufficient to establish whether loss-of-function variants in PACS2 cause disease. The frequency data for this variant in the population databases is considered unreliable, as metrics indicate insufficient coverage at this position in the ExAC database. In summary, the available evidence is currently insufficient to determine the role of this variant in disease. Therefore, it has been classified as a Variant of Uncertain Significance. Algorithms developed to predict the effect of sequence changes on RNA splicing suggest that this variant may create or strengthen a splice site. This premature translational stop signal has been observed in individual(s) with clinical features of PACS2-related conditions (Invitae).